The following is an entry in ClinVar:

NM_175914.5(HNF4A):c.1271A>G (p.Tyr424Cys)

Gene: HNF4A (hepatocyte nuclear factor 4 alpha; plus strand). Cytogenetic location: 20q13.12.
Variant type: single nucleotide variant.
Coding change: c.1271A>G on transcript NM_175914.5 (MANE Select); coding-DNA position 1271, A replaced by G.
Protein change: p.Tyr424Cys; replaces tyrosine 424 with cysteine.
Molecular consequence: missense variant.
Genome position (GRCh38, 1-based): chr20:44,429,577, A>G. VCF-style: chr20-44429577-A-G. GRCh37 (hg19) VCF-style: chr20-43058217-A-G.
Other names: c.1337A>G, p.Tyr446Cys (NM_000457.6); c.1241A>G, p.Tyr414Cys (NM_001030003.3); c.1316A>G, p.Tyr439Cys (NM_001258355.2); c.1232A>G, p.Tyr411Cys (NM_001287182.2); c.1262A>G, p.Tyr421Cys (NM_001287183.2); c.1307A>G, p.Tyr436Cys (NM_178849.3); short protein forms Y411C, Y439C, Y446C, Y414C, Y424C, Y421C, Y436C.
Identifiers: ClinVar variation 3657645 (VCV003657645.2).

ClinVar aggregate classification (germline): Uncertain significance (1 of 4 stars; one submission).

Submission:

Labcorp Genetics (formerly Invitae), Labcorp
Classification: Uncertain significance. Last evaluated: 2024-12-08. Review status: criteria provided, single submitter. Criteria: Invitae Variant Classification Sherloc (09022015). Collection method: clinical testing. Allele origin: germline.
Comment: This sequence change replaces tyrosine, which is neutral and polar, with cysteine, which is neutral and slightly polar, at codon 424 of the HNF4A protein (p.Tyr424Cys). This variant is present in population databases (rs541597911, gnomAD 0.0009%). This variant has not been reported in the literature in individuals affected with HNF4A-related conditions. Invitae Evidence Modeling of protein sequence and biophysical properties (such as structural, functional, and spatial information, amino acid conservation, physicochemical variation, residue mobility, and thermodynamic stability) has been performed for this missense variant. However, the output from this modeling did not meet the statistical confidence thresholds required to predict the impact of this variant on HNF4A protein function. In summary, the available evidence is currently insufficient to determine the role of this variant in disease. Therefore, it has been classified as a Variant of Uncertain Significance.